The following is an entry in ClinVar:

NC_000012.11:g.(?_120875892)_(120878546_?)dup

Gene: COX6A1 (cytochrome c oxidase subunit 6A1; plus strand). Cytogenetic location: 12q24.31.
Variant type: Duplication.
Identifiers: ClinVar variation 2573523 (VCV002573523.1).

ClinVar aggregate classification (germline): Uncertain significance (1 of 4 stars; one submission).

Submission:

Women's Health and Genetics/Laboratory Corporation of America, LabCorp
Classification: Uncertain significance. Last evaluated: 2023-06-05. Review status: criteria provided, single submitter. Criteria: LabCorp Variant Classification Summary - May 2015. Collection method: clinical testing. Allele origin: germline.
Comment: Variant summary: The variant identified by MLPA or other technology involves the duplication of exons 1-3 (i.e., the full coding sequence) of the COX6A1 gene. A presumed nomenclature of c.(?_-38)_(*206_?)dup has been designated for the purposes of this classification. It has been assumed that this is a tandem duplication in direct orientation (Richardson_GIM_2018, Newman_AJHG_2015). Since exact breakpoints of this duplication are not known, it might extend beyond the assayed region of the ERCC2 gene, including other flanking genes. A large duplication variant (18.8 kb) involving the COX6A1 gene (together with the full duplication of the downstream flanking gene TRIAP1, and a partial duplication of the downstream flanking gene GATC) was found at a frequency of 0.00055 in 21692 control chromosomes (i.e. 12 carriers) in the gnomAD, Structural Variants dataset. The available data on variant occurrences in the general population are insufficient to allow any conclusion about variant significance. To our knowledge, no occurrence of c.(?_-38)_(*206_?)dup in individuals affected with Charcot-Marie Disease Recessive Intermediate D and no experimental evidence demonstrating its impact on protein function have been reported. One clinical diagnostic laboratory has submitted clinical-significance assessments for this variant to ClinVar after 2014, and classified the variant as uncertain significance. Based on the evidence outlined above, the variant was classified as uncertain significance.